The following is an entry in ClinVar:

NM_001879.6(MASP1):c.1788G>C (p.Arg596Ser)

Gene: MASP1 (MBL associated serine protease 1; minus strand). Cytogenetic location: 3q27.3.
Variant type: single nucleotide variant.
Coding change: c.1788G>C on transcript NM_001879.6 (MANE Plus Clinical); coding-DNA position 1788, G replaced by C.
Protein change: p.Arg596Ser; replaces arginine 596 with serine.
Molecular consequence: missense variant.
Genome position (GRCh38, 1-based): chr3:187,223,148, C>G on the plus strand (G>C on the coding strand, the complement: MASP1 is on the minus strand). VCF-style: chr3-187223148-C-G. GRCh37 (hg19) VCF-style: chr3-186940936-C-G.
Other names: short protein forms R596S.
Identifiers: ClinVar variation 2654343 (VCV002654343.23), dbSNP rs768987275, ClinGen allele CA2748786.

ClinVar aggregate classification (germline): Uncertain significance. Review status: criteria provided, multiple submitters, no conflicts (2 of 4 stars). 2 submissions from 2 submitters: Uncertain significance (2). Last evaluated 2023-09-01.

gnomAD v4.1: 15 of 1,614,012 alleles (0.00093%); highest among the groups gnomAD compares: Middle Eastern, 0.066%; no homozygotes.

Submissions (2):

CeGaT Center for Human Genetics Tuebingen
Classification: Uncertain significance. Last evaluated: 2023-09-01. Review status: criteria provided, single submitter. Criteria: CeGaT Center For Human Genetics Tuebingen Variant Classification Criteria Version 2. Collection method: clinical testing. Allele origin: germline. Affected: yes. Observed: 1 variant allele.
Comment: MASP1: PM2, BP4

Breakthrough Genomics
Classification: Uncertain significance. Review status: criteria provided, single submitter. Criteria: ACMG Guidelines, 2015. Collection method: not provided. Allele origin: germline. Inheritance: Autosomal recessive inheritance. Affected: yes.